The following is an entry in ClinVar:

NM_001369.3(DNAH5):c.835_841dup (p.Val281delinsGlyTer)

Gene: DNAH5 (dynein axonemal heavy chain 5; minus strand). Cytogenetic location: 5p15.2.
Variant type: Duplication.
Coding change: c.835_841dup on transcript NM_001369.3 (MANE Select); coding-DNA positions 835 to 841, 7 bases duplicated (GATGACG; older notation c.835_841dupGATGACG).
Protein change: p.Val281delinsGlyTer.
Molecular consequence: nonsense.
Genome position (GRCh38, 1-based): chr5:13,919,310-13,919,316, CGTCATC duplicated on the plus strand (GATGACG on the coding strand, the reverse complement: DNAH5 is on the minus strand); duplicating any 7 consecutive bases within chr5:13,919,310-13,919,318 gives the same sequence; the c. name uses the placement nearest the transcript's 3' end. VCF-style (leftmost placement, unchanged base first): chr5-13919309-A-ACGTCATC. GRCh37 (hg19) VCF-style: chr5-13919418-A-ACGTCATC.
Identifiers: ClinVar variation 5014626 (VCV005014626.1).
Genomic context (GRCh38, chr5:13,919,309, plus strand): 5'-AAAAGGTAGTTAAACTTGGAGAGTCTTTTTTTCCAGTGCTCCAGCTCCGCTCGTGGCCCA[A>ACGTCATC]CGTCATCCGCTTCCTTCAGCAGCTGATTGTTTTCAGCAAGAACCTGCAAATGCGCGGGGA-3'

ClinVar aggregate classification (germline): Pathogenic (1 of 4 stars; one submission).

Conditions:
Primary ciliary dyskinesia 3. Identifiers: Orphanet 244, MedGen C1837618, MONDO:0012085, OMIM 608644.

Submission:

Myriad Genetics, Inc.
Classification: Pathogenic for Primary ciliary dyskinesia 3. Last evaluated: 2025-06-21. Review status: criteria provided, single submitter. Criteria: Myriad Autosomal Dominant, Autosomal Recessive and X-Linked Classification Criteria (2023). Collection method: clinical testing. Allele origin: unknown.
Comment: NM_001369.2(DNAH5):c.835_841dup7(V281Gfs*2) is expected to be pathogenic in the context of primary ciliary dyskinesia, DNAH5-related. This variant is predicted to lead to an abnormal or absent protein product due to the creation of a premature termination codon in DNAH5, a gene where loss-of-function variants are known to be pathogenic. Please note: this variant was assessed in the context of healthy population screening.